The following is an entry in ClinVar:

NM_000548.5(TSC2):c.2097+5G>A

Gene: TSC2 (TSC complex subunit 2; plus strand). Cytogenetic location: 16p13.3.
Variant type: single nucleotide variant.
Coding change: c.2097+5G>A on transcript NM_000548.5 (MANE Select); 5 bases into the intron after coding-DNA position 2097, G replaced by A.
Molecular consequence: intron variant.
Genome position (GRCh38, 1-based): chr16:2,071,939, G>A. VCF-style: chr16-2071939-G-A. GRCh37 (hg19) VCF-style: chr16-2121940-G-A.
Other names: c.2097+5G>A (NM_001114382.3, NM_021055.3, NM_001370405.1 and 3 more transcripts); c.1986+5G>A (NM_001318827.2); c.1497+5G>A (NM_001318831.2); c.1950+5G>A (NM_001318829.2); c.2130+5G>A (NM_001318832.2).
Identifiers: ClinVar variation 848502 (VCV000848502.10), dbSNP rs977777731, ClinGen allele CA620704842.

ClinVar aggregate classification (germline): Uncertain significance. Review status: criteria provided, multiple submitters, no conflicts (2 of 4 stars). 3 submissions from 3 submitters: Uncertain significance (3). Last evaluated 2025-02-10.

Conditions:
Hereditary cancer-predisposing syndrome. Also called: Neoplastic Syndromes, Hereditary; Hereditary Cancer Syndrome; Hereditary neoplastic syndrome; Tumor predisposition. Identifiers: Orphanet 140162, MedGen C0027672, MeSH D009386, MONDO:0015356.
Tuberous sclerosis 2 (TSC2). Identifiers: Orphanet 805, MedGen C1860707, MONDO:0013199, OMIM 613254.

gnomAD v4.1: 4 of 1,570,372 alleles (0.00025%); highest among the groups gnomAD compares: Non-Finnish European, 0.00026%; no homozygotes.

Submissions (3):

Labcorp Genetics (formerly Invitae), Labcorp
Classification: Uncertain significance for Tuberous sclerosis 2. Last evaluated: 2025-02-10. Review status: criteria provided, single submitter. Criteria: Invitae Variant Classification Sherloc (09022015). Collection method: clinical testing. Allele origin: germline.
Comment: This sequence change falls in intron 19 of the TSC2 gene. It does not directly change the encoded amino acid sequence of the TSC2 protein. It affects a nucleotide within the consensus splice site. This variant is not present in population databases (gnomAD no frequency). This variant has not been reported in the literature in individuals affected with TSC2-related conditions. ClinVar contains an entry for this variant (Variation ID: 848502). Variants that disrupt the consensus splice site are a relatively common cause of aberrant splicing (PMID: 17576681, 9536098). Algorithms developed to predict the effect of sequence changes on RNA splicing suggest that this variant is not likely to affect RNA splicing. In summary, the available evidence is currently insufficient to determine the role of this variant in disease. Therefore, it has been classified as a Variant of Uncertain Significance.

GeneDx
Classification: Uncertain significance. Last evaluated: 2022-09-21. Review status: criteria provided, single submitter. Criteria: GeneDx Variant Classification Process June 2021. Collection method: clinical testing. Allele origin: germline. Affected: yes.
Comment: Not observed at significant frequency in large population cohorts (gnomAD); In silico analysis supports that this variant does not alter splicing; Has not been previously published as pathogenic or benign to our knowledge

Ambry Genetics
Classification: Uncertain significance for Hereditary cancer-predisposing syndrome. Last evaluated: 2021-11-30. Review status: criteria provided, single submitter. Criteria: Ambry Variant Classification Scheme 2023. Collection method: clinical testing. Allele origin: germline.
Comment: The c.2097+5G>A intronic variant results from a G to A substitution 5 nucleotides after coding exon 18 in the TSC2 gene. This nucleotide position is highly conserved in available vertebrate species. In silico splice site analysis predicts that this alteration will not have any significant effect on splicing. Since supporting evidence is limited at this time, the clinical significance of this alteration remains unclear.

Literature cited by the submitters: PubMed 17576681 (cited by Labcorp Genetics (formerly Invitae), Labcorp); PubMed 9536098 (cited by Labcorp Genetics (formerly Invitae), Labcorp).